The following is an entry in ClinVar:

ClinVar aggregate classification (germline): Uncertain significance. Review status: criteria provided, multiple submitters, no conflicts (2 of 4 stars). 4 submissions from 4 submitters: Uncertain significance (4). Last evaluated 2025-10-01.

Conditions:
Developmental and epileptic encephalopathy, 18 (DEE18). Also called: Early infantile epileptic encephalopathy 18. Identifiers: Orphanet 369894, MedGen C3809624, MONDO:0014201, OMIM 615476.
Inborn genetic diseases. Identifiers: MedGen C0950123, MeSH D030342.

Allele frequency attached by ClinVar (database versions not stated): TOPMed 0.00001; ExAC 0.00002; gnomAD 0.00002 and 0.00001; gnomAD exomes 0.00004.
gnomAD v4.1: 45 of 1,605,072 alleles (0.0028%); highest among the groups gnomAD compares: Admixed American, 0.0085%; no homozygotes.

Submissions (4):

Labcorp Genetics (formerly Invitae), Labcorp
Classification: Uncertain significance. Last evaluated: 2025-10-01. Review status: criteria provided, single submitter. Criteria: Invitae Variant Classification Sherloc (09022015). Collection method: clinical testing. Allele origin: germline.
Comment: This sequence change replaces arginine, which is basic and polar, with histidine, which is basic and polar, at codon 2281 of the SZT2 protein (p.Arg2281His). This variant is present in population databases (rs777078813, gnomAD 0.01%). This variant has not been reported in the literature in individuals affected with SZT2-related conditions. ClinVar contains an entry for this variant (Variation ID: 660164). Invitae Evidence Modeling of protein sequence and biophysical properties (such as structural, functional, and spatial information, amino acid conservation, physicochemical variation, residue mobility, and thermodynamic stability) indicates that this missense variant is not expected to disrupt SZT2 protein function with a negative predictive value of 80%. In summary, the available evidence is currently insufficient to determine the role of this variant in disease. Therefore, it has been classified as a Variant of Uncertain Significance.

Genome-Nilou Lab
Classification: Uncertain significance for Developmental and epileptic encephalopathy, 18. Last evaluated: 2023-04-11. Review status: criteria provided, single submitter. Criteria: ACMG Guidelines, 2015. Collection method: clinical testing. Allele origin: germline. Affected: no.

Ambry Genetics
Classification: Uncertain significance for Inborn genetic diseases. Last evaluated: 2021-08-13. Review status: criteria provided, single submitter. Criteria: Ambry Variant Classification Scheme 2023. Collection method: clinical testing. Allele origin: germline.

CeGaT Center for Human Genetics Tuebingen
Classification: Uncertain significance. Last evaluated: 2019-11-01. Review status: criteria provided, single submitter. Criteria: CeGaT Center For Human Genetics Tuebingen Variant Classification Criteria Version 2. Collection method: clinical testing. Allele origin: germline. Affected: yes. Observed: 1 variant allele.

NM_001365999.1(SZT2):c.7013G>A (p.Arg2338His)

Gene: SZT2 (SZT2 subunit of KICSTOR complex; plus strand). Cytogenetic location: 1p34.2.
Variant type: single nucleotide variant.
Coding change: c.7013G>A on transcript NM_001365999.1 (MANE Select); coding-DNA position 7013, G replaced by A.
Protein change: p.Arg2338His; replaces arginine 2338 with histidine.
Molecular consequence: missense variant.
Genome position (GRCh38, 1-based): chr1:43,439,740, G>A. VCF-style: chr1-43439740-G-A. GRCh37 (hg19) VCF-style: chr1-43905411-G-A.
Other names: c.6842G>A, p.Arg2281His (NM_015284.4); short protein forms R2281H, R2338H.
Identifiers: ClinVar variation 660164 (VCV000660164.47), dbSNP rs777078813, ClinGen allele CA810078.